The following is an entry in ClinVar:

ClinVar aggregate classification (germline): Likely benign (1 of 4 stars; one submission).

Allele frequency attached by ClinVar (database versions not stated): gnomAD exomes 0.00004; gnomAD 0.00006; 1000 Genomes Project 0.00040; ExAC 0.00085.

Submission:

CeGaT Center for Human Genetics Tuebingen
Classification: Likely benign. Last evaluated: 2023-04-01. Review status: criteria provided, single submitter. Criteria: CeGaT Center For Human Genetics Tuebingen Variant Classification Criteria Version 2. Collection method: clinical testing. Allele origin: germline. Affected: yes. Observed: 1 variant allele.
Comment: TBC1D3F: BP4, BS2; TBC1D3G: BP4, BS2

NM_032258.5(TBC1D3F):c.1451C>A (p.Ser484Tyr)

Genes: TBC1D3F (TBC1 domain family member 3F; minus strand), TBC1D3G (TBC1 domain family member 3G). Cytogenetic location: 17q12.
Variant type: single nucleotide variant.
Coding change: c.1451C>A on transcript NM_032258.5; coding-DNA position 1451, C replaced by A.
Protein change: p.Ser484Tyr; replaces serine 484 with tyrosine.
Molecular consequence: missense variant.
Genome position (GRCh38, 1-based): chr17:36,429,127, G>T on the plus strand (C>A on the coding strand, the complement: TBC1D3F is on the minus strand). VCF-style: chr17-36429127-G-T. GRCh37 (hg19) VCF-style: chr17-34797685-G-T.
Other names: short protein forms S484Y.
Identifiers: ClinVar variation 2647688 (VCV002647688.24), dbSNP rs146970031, ClinGen allele CA290462093.